The following is an entry in ClinVar:

ClinVar aggregate classification (germline): Uncertain significance. Review status: criteria provided, multiple submitters, no conflicts (2 of 4 stars). 4 submissions from 4 submitters: Uncertain significance (4). Last evaluated 2025-12-16.

Conditions:
Cardiovascular phenotype. Identifiers: MedGen CN230736.
Long QT syndrome (LQTS). Identifiers: MedGen C0023976, MeSH D008133, MONDO:0002442. Disease mechanism: loss of function. Inheritance: Various modes of inheritance.
Long QT syndrome 11 (LQT11). Identifiers: Orphanet 101016, Orphanet 768, MedGen C2678483, MONDO:0012738, OMIM 611820.

Allele frequency attached by ClinVar (database versions not stated): gnomAD exomes 0.00002 and 0.00003; ExAC 0.00003; TOPMed 0.00003; gnomAD 0.00004 and 0.00005.
gnomAD v4.1: 31 of 1,573,208 alleles (0.002%); highest among the groups gnomAD compares: African/African-American, 0.0069%; no homozygotes.

Submissions (4):

Ambry Genetics
Classification: Uncertain significance for Cardiovascular phenotype. Last evaluated: 2025-12-16. Review status: criteria provided, single submitter. Criteria: Ambry Variant Classification Scheme 2023. Collection method: clinical testing. Allele origin: germline.
Comment: The p.E1332Q variant (also known as c.3994G>C), located in coding exon 14 of the AKAP9 gene, results from a G to C substitution at nucleotide position 3994. The glutamic acid at codon 1332 is replaced by glutamine, an amino acid with highly similar properties. This amino acid position is not well conserved in available vertebrate species, and glutamine is the reference amino acid in other vertebrate species. In addition, this alteration is predicted to be tolerated by in silico analysis. Since supporting evidence is limited at this time, the clinical significance of this alteration remains unclear.

Labcorp Genetics (formerly Invitae), Labcorp
Classification: Uncertain significance for Long QT syndrome. Last evaluated: 2025-02-15. Review status: criteria provided, single submitter. Criteria: Invitae Variant Classification Sherloc (09022015). Collection method: clinical testing. Allele origin: germline.
Comment: This sequence change replaces glutamic acid, which is acidic and polar, with glutamine, which is neutral and polar, at codon 1332 of the AKAP9 protein (p.Glu1332Gln). This variant is present in population databases (rs774110970, gnomAD 0.02%). This variant has not been reported in the literature in individuals affected with AKAP9-related conditions. ClinVar contains an entry for this variant (Variation ID: 618524). An algorithm developed to predict the effect of missense changes on protein structure and function outputs the following: PolyPhen-2: "Possibly Damaging". The glutamine amino acid residue is found in multiple mammalian species, which suggests that this missense change does not adversely affect protein function. In summary, the available evidence is currently insufficient to determine the role of this variant in disease. Therefore, it has been classified as a Variant of Uncertain Significance.

Fulgent Genetics
Classification: Uncertain significance for Long QT syndrome 11. Last evaluated: 2021-10-15. Review status: criteria provided, single submitter. Criteria: ACMG Guidelines, 2015. Collection method: clinical testing. Allele origin: unknown.

ARUP Laboratories, Molecular Genetics and Genomics, ARUP Laboratories
Classification: Uncertain significance. Last evaluated: 2018-05-18. Review status: criteria provided, single submitter. Criteria: ARUP Molecular Germline Variant Investigation Process. Collection method: clinical testing. Allele origin: germline.
Comment: The p.Glu1332Gln variant (rs774110970) has not been reported in the medical literature, gene specific variation databases, nor has it been previously identified by our laboratory. This variant is listed in the Genome Aggregation Database (gnomAD) with an overall population frequency of 0.003 percent (identified on 8 out of 234,568 chromosomes). The glutamic acid at position 1332 is highly conserved considering 11 species (Alamut v2.11) and computational analyses of the p.Glu1332Gln variant on protein structure and function indicates a deleterious effect (SIFT: damaging, PolyPhen-2: possibly damaging). Altogether, there is not enough evidence to classify the p.Glu1332Gln variant with certainty.

NM_005751.5(AKAP9):c.3994G>C (p.Glu1332Gln)

Gene: AKAP9 (A-kinase anchoring protein 9; plus strand). Cytogenetic location: 7q21.2.
Variant type: single nucleotide variant.
Coding change: c.3994G>C on transcript NM_005751.5 (MANE Select); coding-DNA position 3994, G replaced by C.
Protein change: p.Glu1332Gln; replaces glutamic acid 1332 with glutamine.
Molecular consequence: missense variant.
Genome position (GRCh38, 1-based): chr7:92,022,855, G>C. VCF-style: chr7-92022855-G-C. GRCh37 (hg19) VCF-style: chr7-91652169-G-C.
Other names: c.3994G>C, p.Glu1332Gln (NM_147185.3); short protein forms E1332Q.
Identifiers: ClinVar variation 618524 (VCV000618524.17), dbSNP rs774110970, ClinGen allele CA4336456.